The following is an entry in ClinVar:

NM_001371986.1(UNC80):c.9497C>T (p.Thr3166Met)

Gene: UNC80 (unc-80 subunit of NALCN channel complex; plus strand). Cytogenetic location: 2q34.
Variant type: single nucleotide variant.
Coding change: c.9497C>T on transcript NM_001371986.1 (MANE Select); coding-DNA position 9497, C replaced by T.
Protein change: p.Thr3166Met; replaces threonine 3166 with methionine.
Molecular consequence: missense variant.
Genome position (GRCh38, 1-based): chr2:209,993,415, C>T. VCF-style: chr2-209993415-C-T. GRCh37 (hg19) VCF-style: chr2-210858139-C-T.
Other names: c.9299C>T, p.Thr3100Met (NM_032504.2); c.9227C>T, p.Thr3076Met (NM_182587.4); short protein forms T3076M, T3166M, T3100M.
Identifiers: ClinVar variation 1518087 (VCV001518087.9), dbSNP rs529047309, ClinGen allele CA2083682.

ClinVar aggregate classification (germline): Uncertain significance. Review status: criteria provided, multiple submitters, no conflicts (2 of 4 stars). 3 submissions from 3 submitters: Uncertain significance (3). Last evaluated 2022-08-12.

Conditions:
Hypotonia, infantile, with psychomotor retardation and characteristic facies 2 (IHPRF2). Also called: UNC80 Deficiency. Identifiers: Orphanet 371364, Orphanet 700333, MedGen C4225203, MONDO:0014777, OMIM 616801.

Allele frequency attached by ClinVar (database versions not stated): gnomAD 0.00003 and 0.00001; ExAC 0.00014; 1000 Genomes Project 30x 0.00047; 1000 Genomes Project 0.00060; TOPMed 0.00002.
gnomAD v4.1: 58 of 1,551,496 alleles (0.0037%); highest among the groups gnomAD compares: South Asian, 0.036%; no homozygotes.

Submissions (3):

Labcorp Genetics (formerly Invitae), Labcorp
Classification: Uncertain significance. Last evaluated: 2022-08-12. Review status: criteria provided, single submitter. Criteria: Invitae Variant Classification Sherloc (09022015). Collection method: clinical testing. Allele origin: germline.
Comment: This sequence change replaces threonine, which is neutral and polar, with methionine, which is neutral and non-polar, at codon 3100 of the UNC80 protein (p.Thr3100Met). This variant is present in population databases (rs529047309, gnomAD 0.04%). This variant has not been reported in the literature in individuals affected with UNC80-related conditions. ClinVar contains an entry for this variant (Variation ID: 1518087). Algorithms developed to predict the effect of missense changes on protein structure and function are either unavailable or do not agree on the potential impact of this missense change (SIFT: "Not Available"; PolyPhen-2: "Benign"; Align-GVGD: "Not Available"). In summary, the available evidence is currently insufficient to determine the role of this variant in disease. Therefore, it has been classified as a Variant of Uncertain Significance.

Victorian Clinical Genetics Services, Murdoch Childrens Research Institute
Classification: Uncertain significance for Hypotonia, infantile, with psychomotor retardation and characteristic facies 2. Last evaluated: 2022-03-31. Review status: criteria provided, single submitter. Criteria: ACMG Guidelines, 2015. Collection method: clinical testing. Allele origin: germline. Inheritance: Autosomal recessive inheritance.
Comment: Based on the classification scheme VCGS_Germline_v1.3.4, this variant is classified as VUS-3C. Following criteria are met: 0102 - Loss of function is a known mechanism of disease in this gene and is associated with hypotonia, infantile, with psychomotor retardation and characteristic facies 2 (MIM#616801). (I) 0106 - This gene is associated with autosomal recessive disease. (I) 0200 - Variant is predicted to result in a missense amino acid change from threonine to methionine. (I) 0251 - This variant is heterozygous. (I) 0304 - Variant is present in gnomAD <0.01 for a recessive condition (v2: 12 heterozygotes, 0 homozygotes). (SP) 0309 - An alternative amino acid change at the same position has been observed in gnomAD (v2: 1 heterozygote, 0 homozygotes). (I) 0504 - Same amino acid change has been observed in placental mammals. (SB) 0604 - Variant is not located in an established domain, motif, hotspot or informative constraint region. (I) 0705 - No comparable missense variants have previous evidence for pathogenicity. (I) 0807 - This variant has no previous evidence of pathogenicity. (I) 0905 - No published segregation evidence has been identified for this variant. (I) 1007 - No published functional evidence has been identified for this variant. (I) Legend: (SP) - Supporting pathogenic, (I) - Information, (SB) - Supporting benign

Revvity Omics, Revvity
Classification: Uncertain significance for Hypotonia, infantile, with psychomotor retardation and characteristic facies 2. Last evaluated: 2020-03-24. Review status: criteria provided, single submitter. Criteria: ACMG Guidelines, 2015. Collection method: clinical testing. Allele origin: germline.